The following is an entry in ClinVar:

NM_016006.6(ABHD5):c.14A>C (p.Glu5Ala)

Genes: ABHD5 (abhydrolase domain containing 5, lysophosphatidic acid acyltransferase; plus strand), ANO10 (anoctamin 10; minus strand). Cytogenetic location: 3p21.33.
Variant type: single nucleotide variant.
Coding change: c.14A>C on transcript NM_016006.6 (MANE Select); coding-DNA position 14, A replaced by C.
Protein change: p.Glu5Ala; replaces glutamic acid 5 with alanine.
Molecular consequence: missense variant. On other transcripts: non-coding transcript variant (1), intron variant (2).
Genome position (GRCh38, 1-based): chr3:43,691,006, A>C. VCF-style: chr3-43691006-A-C. GRCh37 (hg19) VCF-style: chr3-43732498-A-C.
Other names: c.14A>C, p.Glu5Ala (NM_001355186.2, NM_001365650.1); c.-12+511T>G (NM_001346469.2, NM_001346468.2); short protein forms E5A.
Identifiers: ClinVar variation 1425120 (VCV001425120.6), dbSNP rs757473420, ClinGen allele CA2341211.

ClinVar aggregate classification (germline): Uncertain significance. Review status: criteria provided, multiple submitters, no conflicts (2 of 4 stars). 2 submissions from 2 submitters: Uncertain significance (2). Last evaluated 2024-10-22.

Conditions:
Inborn genetic diseases. Identifiers: MedGen C0950123, MeSH D030342.

Allele frequency attached by ClinVar (database versions not stated): TOPMed 0.00004; gnomAD exomes 0.00002 and 0.00008; gnomAD 0.00003; ExAC 0.00009.
gnomAD v4.1: 43 of 1,566,962 alleles (0.0027%); highest among the groups gnomAD compares: Middle Eastern, 0.034%; no homozygotes.

Submissions (2):

Labcorp Genetics (formerly Invitae), Labcorp
Classification: Uncertain significance. Last evaluated: 2024-10-22. Review status: criteria provided, single submitter. Criteria: Invitae Variant Classification Sherloc (09022015). Collection method: clinical testing. Allele origin: germline.
Comment: This sequence change replaces glutamic acid, which is acidic and polar, with alanine, which is neutral and non-polar, at codon 5 of the ABHD5 protein (p.Glu5Ala). This variant is present in population databases (rs757473420, gnomAD 0.04%). This variant has not been reported in the literature in individuals affected with ABHD5-related conditions. ClinVar contains an entry for this variant (Variation ID: 1425120). An algorithm developed to predict the effect of missense changes on protein structure and function (PolyPhen-2) suggests that this variant is likely to be tolerated. In summary, the available evidence is currently insufficient to determine the role of this variant in disease. Therefore, it has been classified as a Variant of Uncertain Significance.

Ambry Genetics
Classification: Uncertain significance for Inborn genetic diseases. Last evaluated: 2023-11-02. Review status: criteria provided, single submitter. Criteria: Ambry Variant Classification Scheme 2023. Collection method: clinical testing. Allele origin: germline.